The following is an entry in ClinVar:

ClinVar aggregate classification (germline): Uncertain significance. Review status: criteria provided, multiple submitters, no conflicts (2 of 4 stars). 2 submissions from 2 submitters: Uncertain significance (2). Last evaluated 2024-10-09.

gnomAD v4.1: 2 of 1,614,120 alleles (0.00012%); highest among the groups gnomAD compares: African/African-American, 0.0027%; no homozygotes.

Submissions (2):

Labcorp Genetics (formerly Invitae), Labcorp
Classification: Uncertain significance. Last evaluated: 2024-10-09. Review status: criteria provided, single submitter. Criteria: Invitae Variant Classification Sherloc (09022015). Collection method: clinical testing. Allele origin: germline.
Comment: This sequence change replaces proline, which is neutral and non-polar, with serine, which is neutral and polar, at codon 800 of the EFTUD2 protein (p.Pro800Ser). This variant is not present in population databases (gnomAD no frequency). This variant has not been reported in the literature in individuals affected with EFTUD2-related conditions. Invitae Evidence Modeling of protein sequence and biophysical properties (such as structural, functional, and spatial information, amino acid conservation, physicochemical variation, residue mobility, and thermodynamic stability) indicates that this missense variant is not expected to disrupt EFTUD2 protein function with a negative predictive value of 80%. In summary, the available evidence is currently insufficient to determine the role of this variant in disease. Therefore, it has been classified as a Variant of Uncertain Significance.

GeneDx
Classification: Uncertain significance. Last evaluated: 2024-03-21. Review status: criteria provided, single submitter. Criteria: GeneDx Variant Classification Process June 2021. Collection method: clinical testing. Allele origin: germline. Affected: yes.
Comment: Not observed at significant frequency in large population cohorts (gnomAD); In silico analysis supports that this missense variant has a deleterious effect on protein structure/function; Has not been previously published as pathogenic or benign to our knowledge

NM_004247.4(EFTUD2):c.2398C>T (p.Pro800Ser)

Gene: EFTUD2 (elongation factor Tu GTP binding domain containing 2; minus strand). Cytogenetic location: 17q21.31.
Variant type: single nucleotide variant.
Coding change: c.2398C>T on transcript NM_004247.4 (MANE Select); coding-DNA position 2398, C replaced by T.
Protein change: p.Pro800Ser; replaces proline 800 with serine.
Molecular consequence: missense variant.
Genome position (GRCh38, 1-based): chr17:44,853,585, G>A on the plus strand (C>T on the coding strand, the complement: EFTUD2 is on the minus strand). VCF-style: chr17-44853585-G-A. GRCh37 (hg19) VCF-style: chr17-42930953-G-A.
Other names: c.2293C>T, p.Pro765Ser (NM_001142605.2); c.2398C>T, p.Pro800Ser (NM_001258353.2); c.2368C>T, p.Pro790Ser (NM_001258354.2); short protein forms P765S, P790S, P800S.
Identifiers: ClinVar variation 3340919 (VCV003340919.3).